The following is an entry in ClinVar:

NM_014043.4(CHMP2B):c.192A>G (p.Gln64=)

Gene: CHMP2B (charged multivesicular body protein 2B; plus strand). Cytogenetic location: 3p11.2.
Variant type: single nucleotide variant.
Coding change: c.192A>G on transcript NM_014043.4 (MANE Select); coding-DNA position 192, A replaced by G.
Protein change: p.Gln64=; no amino-acid change (glutamine 64 retained).
Molecular consequence: synonymous variant.
Genome position (GRCh38, 1-based): chr3:87,245,779, A>G. VCF-style: chr3-87245779-A-G. GRCh37 (hg19) VCF-style: chr3-87294929-A-G.
Other names: c.69A>G, p.Gln23= (NM_001244644.2).
Identifiers: ClinVar variation 346805 (VCV000346805.19), dbSNP rs148750997, ClinGen allele CA2500931.

ClinVar aggregate classification (germline): Benign/Likely benign. Review status: criteria provided, multiple submitters, no conflicts (2 of 4 stars). 5 submissions from 5 submitters: Benign (3); Likely benign (1). 1 of the submissions does not count toward it. Last evaluated 2025-11-13.

Conditions:
CHMP2B-related disorder. Also called: CHMP2B-related condition.
Frontotemporal dementia and/or amyotrophic lateral sclerosis 7 (FTDALS7). Also called: CHMP2B-related frontotemporal dementia; AMYOTROPHIC LATERAL SCLEROSIS, CHMP2B-RELATED; CHMP2B-Related Frontotemporal Dementia-Amyotrophic Lateral Sclerosis; Amyotrophic lateral sclerosis 17. Identifiers: Orphanet 275864, Orphanet 282, Orphanet 803, MedGen C1833296, MONDO:0010936, OMIM 600795.

Allele frequency attached by ClinVar (database versions not stated): gnomAD 0.00029; TOPMed 0.00032; ESP Exome Variant Server 0.00046; gnomAD exomes 0.00053; ExAC 0.00055; 1000 Genomes Project 30x 0.00141; 1000 Genomes Project 0.00160.
gnomAD v4.1: 343 of 1,613,934 alleles (0.021%); highest among the groups gnomAD compares: East Asian, 0.19%; 4 homozygotes.

Submissions (5):

Labcorp Genetics (formerly Invitae), Labcorp
Classification: Benign for Frontotemporal dementia and/or amyotrophic lateral sclerosis 7. Last evaluated: 2025-11-13. Review status: criteria provided, single submitter. Criteria: Invitae Variant Classification Sherloc (09022015). Collection method: clinical testing. Allele origin: germline.

Blueprint Genetics
Classification: Likely benign. Last evaluated: 2024-11-25. Review status: criteria provided, single submitter. Criteria: ACMG Guidelines, 2015. Collection method: clinical testing. Allele origin: germline.

Illumina Laboratory Services, Illumina
Classification: Benign for Frontotemporal dementia and/or amyotrophic lateral sclerosis 7. Last evaluated: 2018-01-13. Review status: criteria provided, single submitter. Criteria: ICSL Variant Classification Criteria 13 December 2019. Collection method: clinical testing. Allele origin: germline.
Comment: This variant was observed in the ICSL laboratory as part of a predisposition screen in an ostensibly healthy population. It had not been previously curated by ICSL or reported in the Human Gene Mutation Database (HGMD: prior to June 1st, 2018), and was therefore a candidate for classification through an automated scoring system. Utilizing variant allele frequency, disease prevalence and penetrance estimates, and inheritance mode, an automated score was calculated to assess if this variant is too frequent to cause the disease. Based on the score and internal cut-off values, a variant classified as benign is not then subjected to further curation. The score for this variant resulted in a classification of benign for this disease.

Breakthrough Genomics
Classification: Benign. Review status: criteria provided, single submitter. Criteria: ACMG Guidelines, 2015. Collection method: not provided. Allele origin: germline. Inheritance: Autosomal dominant inheritance. Affected: yes.

PreventionGenetics, part of Exact Sciences
Classification: Likely benign for CHMP2B-related condition. Last evaluated: 2019-10-14. Review status: no assertion criteria provided. Collection method: clinical testing. Allele origin: germline. Not counted in ClinVar's aggregate classification.
Comment: This variant is classified as likely benign based on ACMG/AMP sequence variant interpretation guidelines (Richards et al. 2015 PMID: 25741868, with internal and published modifications).